The following is an entry in ClinVar:

NM_014908.4(DOLK):c.719T>C (p.Phe240Ser)

Gene: DOLK (dolichol kinase; minus strand). Cytogenetic location: 9q34.11.
Variant type: single nucleotide variant.
Coding change: c.719T>C on transcript NM_014908.4 (MANE Select); coding-DNA position 719, T replaced by C.
Protein change: p.Phe240Ser; replaces phenylalanine 240 with serine.
Molecular consequence: missense variant.
Genome position (GRCh38, 1-based): chr9:128,946,585, A>G on the plus strand (T>C on the coding strand, the complement: DOLK is on the minus strand). VCF-style: chr9-128946585-A-G. GRCh37 (hg19) VCF-style: chr9-131708864-A-G.
Other names: short protein forms F240S.
Identifiers: ClinVar variation 834813 (VCV000834813.12), dbSNP rs765475110, ClinGen allele CA5271698.

ClinVar aggregate classification (germline): Uncertain significance. Review status: criteria provided, multiple submitters, no conflicts (2 of 4 stars). 3 submissions from 3 submitters: Uncertain significance (3). Last evaluated 2024-07-01.

Conditions:
Cardiovascular phenotype. Identifiers: MedGen CN230736.
DK1-congenital disorder of glycosylation. Also called: DOLK-congenital disorder of glycosylation; Carbohydrate deficient glycoprotein syndrome type 1m; CONGENITAL DISORDER OF GLYCOSYLATION, TYPE Im; CDG Im; DK1 DEFICIENCY; DOLICHOL KINASE DEFICIENCY. Identifiers: Orphanet 91131, MedGen C1835849, MONDO:0012556, OMIM 610768.

Allele frequency attached by ClinVar (database versions not stated): gnomAD exomes below 0.00001 and 0.00001; TOPMed below 0.00001; gnomAD 0.00001; ExAC 0.00002.
gnomAD v4.1: 4 of 1,613,978 alleles (0.00025%); highest among the groups gnomAD compares: Non-Finnish European, 0.00025%; no homozygotes.

Submissions (3):

Ambry Genetics
Classification: Uncertain significance for Cardiovascular phenotype. Last evaluated: 2024-07-01. Review status: criteria provided, single submitter. Criteria: Ambry Variant Classification Scheme 2023. Collection method: clinical testing. Allele origin: germline.
Comment: The p.F240S variant (also known as c.719T>C), located in coding exon 1 of the DOLK gene, results from a T to C substitution at nucleotide position 719. The phenylalanine at codon 240 is replaced by serine, an amino acid with highly dissimilar properties. This amino acid position is well conserved in available vertebrate species. In addition, the in silico prediction for this alteration is inconclusive. Since supporting evidence is limited at this time, the clinical significance of this alteration remains unclear.

Fulgent Genetics
Classification: Uncertain significance for DK1-congenital disorder of glycosylation. Last evaluated: 2021-09-02. Review status: criteria provided, single submitter. Criteria: ACMG Guidelines, 2015. Collection method: clinical testing. Allele origin: unknown.

Labcorp Genetics (formerly Invitae), Labcorp
Classification: Uncertain significance for DK1-congenital disorder of glycosylation. Last evaluated: 2019-03-07. Review status: criteria provided, single submitter. Criteria: Invitae Variant Classification Sherloc (09022015). Collection method: clinical testing. Allele origin: germline.
Comment: In summary, the available evidence is currently insufficient to determine the role of this variant in disease. Therefore, it has been classified as a Variant of Uncertain Significance. Algorithms developed to predict the effect of missense changes on protein structure and function are either unavailable or do not agree on the potential impact of this missense change (SIFT: "Deleterious"; PolyPhen-2: "Benign"; Align-GVGD: "Class C0"). This variant has not been reported in the literature in individuals with DOLK-related conditions. This variant is present in population databases (rs765475110, ExAC 0.003%). This sequence change replaces phenylalanine with serine at codon 240 of the DOLK protein (p.Phe240Ser). The phenylalanine residue is moderately conserved and there is a large physicochemical difference between phenylalanine and serine.